The following is an entry in ClinVar:

NM_001080517.3(SETD5):c.4262dup (p.Val1422fs)

Gene: SETD5 (SET domain containing 5; plus strand). Cytogenetic location: 3p25.3.
Variant type: Duplication.
Coding change: c.4262dup on transcript NM_001080517.3 (MANE Select); coding-DNA position 4262, one base duplicated (G; older notation c.4262dupG).
Protein change: p.Val1422fs; shifts the reading frame from valine 1422.
Molecular consequence: frameshift variant.
Genome position (GRCh38, 1-based): chr3:9,476,024, G duplicated; the last of 5 consecutive G bases (chr3:9,476,020-9,476,024); duplicating any one gives the same sequence. VCF-style (leftmost placement, unchanged base first): chr3-9476019-T-TG. GRCh37 (hg19) VCF-style: chr3-9517703-T-TG.
Other names: c.3968dup, p.Val1324fs (NM_001292043.2, NM_001349451.2); short protein forms V1324fs, V1422fs.
Identifiers: ClinVar variation 2576905 (VCV002576905.1), dbSNP rs2045823546, ClinGen allele CA1344742987.

ClinVar aggregate classification (germline): Uncertain significance (1 of 4 stars; one submission).

Submission:

GeneDx
Classification: Uncertain significance. Last evaluated: 2023-02-19. Review status: criteria provided, single submitter. Criteria: GeneDx Variant Classification Process June 2021. Collection method: clinical testing. Allele origin: germline. Affected: yes.
Comment: Not observed at significant frequency in large population cohorts (gnomAD); Frameshift variant predicted to cause a protein extension as the last 21 amino acids are replaced with 31 different amino acids; Has not been previously published as pathogenic or benign to our knowledge